The following is an entry in ClinVar:

ClinVar aggregate classification (germline): Uncertain significance. Review status: criteria provided, multiple submitters, no conflicts (2 of 4 stars). 2 submissions from 2 submitters: Uncertain significance (2). Last evaluated 2025-12-01.

Conditions:
Cardiofaciocutaneous syndrome 3 (CFC3). Also called: MAP2K1-Related Cardiofaciocutaneous Syndrome. Identifiers: Orphanet 1340, MedGen C3809006, MONDO:0014113, OMIM 615279.
Melorheostosis (MEL). Also called: MELORHEOSTOSIS, ISOLATED. Identifiers: Orphanet 2485, MedGen C3149631, MONDO:0007970, OMIM 155950, HP:6000817.

Submissions (2):

GeneDx
Classification: Uncertain significance. Last evaluated: 2025-12-01. Review status: criteria provided, single submitter. Criteria: GeneDx Variant Classification Process June 2021. Collection method: clinical testing. Allele origin: germline.
Comment: Not observed at significant frequency in large population cohorts (gnomAD); Missense variants in this gene are a common cause of disease and they are underrepresented in the general population; In silico analysis indicates that this missense variant does not alter protein structure/function; Has not been previously published as pathogenic or benign to our knowledge; This variant is associated with the following publications: (PMID: 29493581)

Fulgent Genetics
Classification: Uncertain significance for Melorheostosis; Cardiofaciocutaneous syndrome 3. Last evaluated: 2024-03-24. Review status: criteria provided, single submitter. Criteria: ACMG Guidelines, 2015. Collection method: clinical testing. Allele origin: germline.

NM_002755.4(MAP2K1):c.893G>C (p.Ser298Thr)

Gene: MAP2K1 (mitogen-activated protein kinase kinase 1; plus strand). Cytogenetic location: 15q22.31.
Variant type: single nucleotide variant.
Coding change: c.893G>C on transcript NM_002755.4 (MANE Select); coding-DNA position 893, G replaced by C.
Protein change: p.Ser298Thr; replaces serine 298 with threonine.
Molecular consequence: missense variant.
Genome position (GRCh38, 1-based): chr15:66,485,189, G>C. VCF-style: chr15-66485189-G-C. GRCh37 (hg19) VCF-style: chr15-66777527-G-C.
Other names: c.749G>C, p.Ser250Thr (NM_001411065.1); short protein forms S250T, S298T.
Identifiers: ClinVar variation 3577607 (VCV003577607.3).